The following is an entry in ClinVar:

ClinVar aggregate classification (germline): Uncertain significance. Review status: criteria provided, multiple submitters, no conflicts (2 of 4 stars). 3 submissions from 3 submitters: Uncertain significance (3). Last evaluated 2025-08-21.

Conditions:
Hereditary breast ovarian cancer syndrome. Also called: Hereditary breast and ovarian cancer syndrome (HBOC); Hereditary breast and ovarian cancer; BRCA1- and BRCA2-Associated Hereditary Breast and Ovarian Cancer; Breast and ovarian cancer; Hereditary breast and ovarian cancer syndrome; Hereditary breast and/or ovarian cancer syndrome. Identifiers: Orphanet 145, MedGen C0677776, MeSH D061325, MONDO:0003582. Disease mechanism: loss of function.
Hereditary cancer-predisposing syndrome. Also called: Hereditary neoplastic syndrome; Tumor predisposition; Hereditary Cancer Syndrome; Neoplastic Syndromes, Hereditary. Identifiers: Orphanet 140162, MedGen C0027672, MeSH D009386, MONDO:0015356.
Breast-ovarian cancer, familial, susceptibility to, 1 (BROVCA1). Also called: OVARIAN CANCER, SUSCEPTIBILITY TO; BRCA1 Hereditary Breast and Ovarian Cancer. Identifiers: Orphanet 145, MedGen C2676676, MONDO:0011450, OMIM 604370. Disease mechanism: loss of function.
Fanconi anemia, complementation group S (FANCS). Identifiers: MedGen C4554406, MONDO:0054748, OMIM 617883.
Pancreatic cancer, susceptibility to, 4. Identifiers: Orphanet 1333, MedGen C3280442, MONDO:0013685, OMIM 614320.

Allele frequency attached by ClinVar (database versions not stated): gnomAD exomes below 0.00001.
gnomAD v4.1: 1 of 1,613,954 alleles (0.000062%); highest among the groups gnomAD compares: Non-Finnish European, 0.000085%; no homozygotes.

Submissions (3):

Labcorp Genetics (formerly Invitae), Labcorp
Classification: Uncertain significance for Hereditary breast ovarian cancer syndrome. Last evaluated: 2025-08-21. Review status: criteria provided, single submitter. Criteria: Invitae Variant Classification Sherloc (09022015). Collection method: clinical testing. Allele origin: germline.
Comment: This sequence change replaces aspartic acid, which is acidic and polar, with glutamic acid, which is acidic and polar, at codon 1557 of the BRCA1 protein (p.Asp1557Glu). This variant is not present in population databases (gnomAD no frequency). This variant has not been reported in the literature in individuals affected with BRCA1-related conditions. ClinVar contains an entry for this variant (Variation ID: 658642). Invitae Evidence Modeling of protein sequence and biophysical properties (such as structural, functional, and spatial information, amino acid conservation, physicochemical variation, residue mobility, and thermodynamic stability) indicates that this missense variant is not expected to disrupt BRCA1 protein function with a negative predictive value of 95%. In summary, the available evidence is currently insufficient to determine the role of this variant in disease. Therefore, it has been classified as a Variant of Uncertain Significance.

Fulgent Genetics
Classification: Uncertain significance for Breast-ovarian cancer, familial, susceptibility to, 1; Pancreatic cancer, susceptibility to, 4; Fanconi anemia, complementation group S. Last evaluated: 2024-06-12. Review status: criteria provided, single submitter. Criteria: ACMG Guidelines, 2015. Collection method: clinical testing. Allele origin: germline.

Ambry Genetics
Classification: Uncertain significance for Hereditary cancer-predisposing syndrome. Last evaluated: 2023-03-06. Review status: criteria provided, single submitter. Criteria: Ambry Variant Classification Scheme 2023. Collection method: clinical testing. Allele origin: germline.
Comment: The p.D1557E variant (also known as c.4671T>G), located in coding exon 13 of the BRCA1 gene, results from a T to G substitution at nucleotide position 4671. The aspartic acid at codon 1557 is replaced by glutamic acid, an amino acid with highly similar properties. This amino acid position is conserved. In addition, the in silico prediction for this alteration is inconclusive. Since supporting evidence is limited at this time, the clinical significance of this alteration remains unclear.

NM_007294.4(BRCA1):c.4671T>G (p.Asp1557Glu)

Gene: BRCA1 (BRCA1 DNA repair associated; minus strand). Cytogenetic location: 17q21.31.
Variant type: single nucleotide variant.
Coding change: c.4671T>G on transcript NM_007294.4 (MANE Select); coding-DNA position 4671, T replaced by G.
Protein change: p.Asp1557Glu; replaces aspartic acid 1557 with glutamic acid.
Molecular consequence: missense variant. On other transcripts: non-coding transcript variant (1).
Genome position (GRCh38, 1-based): chr17:43,074,335, A>C on the plus strand (T>G on the coding strand, the complement: BRCA1 is on the minus strand). VCF-style: chr17-43074335-A-C. GRCh37 (hg19) VCF-style: chr17-41226352-A-C.
Other names: c.4668T>G, p.Asp1556Glu (NM_001407612.1, NM_001407613.1, NM_001407614.1 and 17 more transcripts); c.4665T>G, p.Asp1555Glu (NM_001407631.1, NM_001407632.1, NM_001407633.1 and 14 more transcripts); c.4593T>G, p.Asp1531Glu (NM_001407653.1, NM_001407654.1, NM_001407655.1); c.4590T>G, p.Asp1530Glu (NM_001407656.1, NM_001407657.1, NM_001407658.1); c.4587T>G, p.Asp1529Glu (NM_001407659.1, NM_001407660.1, NM_001407661.1 and 2 more transcripts); c.4545T>G, p.Asp1515Glu (NM_001407672.1, NM_001407673.1, NM_001407674.1 and 11 more transcripts); c.4542T>G, p.Asp1514Glu (NM_001407681.1, NM_001407941.1, NM_001407682.1 and 6 more transcripts); c.4527T>G, p.Asp1509Glu (NM_001407736.1, NM_001407737.1, NM_001407738.1 and 21 more transcripts); and 68 more; short protein forms D453E, D1557E, D1578E, D1510E, D1260E, D1428E, D1446E, D1485E.
Identifiers: ClinVar variation 658642 (VCV000658642.13), dbSNP rs1597835696, ClinGen allele CA10592168.
Genomic context (GRCh38, chr17:43,074,335, plus strand): 5'-GTAGGATTCAGAGTAAAATCAAAGTGTTTGTTCCAATACAGCAGATGAAATATTACCTAG[A>C]TCTTGCCTTGGCAAGTAAGATGTTTCCGTCAAATCGTGTGGCCCAGACTCTTCCAGCTGT-3'
Protein context (NP_009225.1, residues 1547-1567): LTETSYLPRQ[Asp1557Glu]LEGTPYLESG